The following is an entry in ClinVar:

NM_144573.4(NEXN):c.298G>T (p.Gly100Ter)

Genes: NEXN (nexilin F-actin binding protein; plus strand), LOC126805765 (BRD4-independent group 4 enhancer GRCh37_chr1:78383688-78384887; plus strand). Cytogenetic location: 1p31.1.
Variant type: single nucleotide variant.
Coding change: c.298G>T on transcript NM_144573.4 (MANE Select); coding-DNA position 298, G replaced by T.
Protein change: p.Gly100Ter; replaces glycine 100 with a stop codon.
Molecular consequence: nonsense.
Genome position (GRCh38, 1-based): chr1:77,918,038, G>T. VCF-style: chr1-77918038-G-T. GRCh37 (hg19) VCF-style: chr1-78383723-G-T.
Other names: c.106G>T, p.Gly36Ter (NM_001172309.2); short protein forms G100*, G36*.
Identifiers: ClinVar variation 2936967 (VCV002936967.4), dbSNP rs1361285566, ClinGen allele CA340886400.
Genomic context (GRCh38, chr1:77,918,038, plus strand): 5'-TCTGATGATGAGGAAGATGTATCTTCTAAAGTAGAAAAGGCTTATGTTCCAAAATTAACA[G>T]GTAAGAAGCTTGAGGGGTAAATAGTAAATTAAATTGCAAAATAGAAACATAACCAAGTAT-3'

ClinVar aggregate classification (germline): Pathogenic. Review status: criteria provided, multiple submitters, no conflicts (2 of 4 stars). 2 submissions from 2 submitters: Pathogenic (2). Last evaluated 2026-01-15.

Conditions:
Dilated cardiomyopathy 1CC (CMD1CC). Identifiers: Orphanet 154, MedGen C2751084, MONDO:0013147, OMIM 613122.
Hypertrophic cardiomyopathy 20. Identifiers: MedGen C3151267, MONDO:0013477, OMIM 613876.

Submissions (2):

Labcorp Genetics (formerly Invitae), Labcorp
Classification: Pathogenic for Dilated cardiomyopathy 1CC; Hypertrophic cardiomyopathy 20. Last evaluated: 2026-01-15. Review status: criteria provided, single submitter. Criteria: Invitae Variant Classification Sherloc (09022015). Collection method: clinical testing. Allele origin: germline.
Comment: This sequence change creates a premature translational stop signal (p.Gly100*) in the NEXN gene. It is expected to result in an absent or disrupted protein product. Loss-of-function variants in NEXN are known to be pathogenic (PMID: 19881492, 32058062, 32814711, 32870709, 33949776, 38059363, 40680702). This variant is not present in population databases (gnomAD no frequency). This variant has not been reported in the literature in individuals affected with NEXN-related conditions. ClinVar contains an entry for this variant (Variation ID: 2936967). Algorithms developed to predict the effect of sequence changes on RNA splicing suggest that this variant may disrupt the consensus splice site. For these reasons, this variant has been classified as Pathogenic.

GeneDx
Classification: Pathogenic. Last evaluated: 2025-06-19. Review status: criteria provided, single submitter. Criteria: GeneDx Variant Classification Process June 2021. Collection method: clinical testing. Allele origin: germline. Affected: yes.
Comment: Nonsense variant predicted to result in protein truncation or nonsense mediated decay in a gene for which loss of function is a known mechanism of disease; Not observed at significant frequency in large population cohorts (gnomAD); Has not been previously published as pathogenic or benign to our knowledge

Literature cited by the submitters: PubMed 19881492 (cited by Labcorp Genetics (formerly Invitae), Labcorp); PubMed 32058062 (cited by Labcorp Genetics (formerly Invitae), Labcorp); PubMed 32814711 (cited by Labcorp Genetics (formerly Invitae), Labcorp); PubMed 32870709 (cited by Labcorp Genetics (formerly Invitae), Labcorp); PubMed 33949776 (cited by Labcorp Genetics (formerly Invitae), Labcorp); PubMed 38059363 (cited by Labcorp Genetics (formerly Invitae), Labcorp); PubMed 40680702 (cited by Labcorp Genetics (formerly Invitae), Labcorp).